The following is an entry in ClinVar:

NM_001366722.1(GRIP1):c.1756A>C (p.Ile586Leu)

Gene: GRIP1 (glutamate receptor interacting protein 1; minus strand). Cytogenetic location: 12q14.3.
Variant type: single nucleotide variant.
Coding change: c.1756A>C on transcript NM_001366722.1 (MANE Select); coding-DNA position 1756, A replaced by C.
Protein change: p.Ile586Leu; replaces isoleucine 586 with leucine.
Molecular consequence: missense variant.
Genome position (GRCh38, 1-based): chr12:66,432,560, T>G on the plus strand (A>C on the coding strand, the complement: GRIP1 is on the minus strand). VCF-style: chr12-66432560-T-G. GRCh37 (hg19) VCF-style: chr12-66826340-T-G.
Other names: c.1600A>C, p.Ile534Leu (NM_001178074.2, NM_021150.4); c.1675A>C, p.Ile559Leu (NM_001366723.1); c.1678A>C, p.Ile560Leu (NM_001366724.1); short protein forms I534L, I586L, I559L, I560L.
Identifiers: ClinVar variation 265191 (VCV000265191.53), dbSNP rs189438534, ClinGen allele CA6674307.

ClinVar aggregate classification (germline): Conflicting classifications of pathogenicity. Review status: criteria provided, conflicting classifications (1 of 4 stars). 11 submissions from 11 submitters: Uncertain significance (3); Likely benign (4). 4 of the submissions do not count toward it. Last evaluated 2026-08-01.

Conditions:
GRIP1-related disorder. Also called: GRIP1-related condition.
Fraser syndrome 3. Identifiers: MedGen C4540040, MONDO:0054739, OMIM 617667.

Allele frequency attached by ClinVar (database versions not stated): ESP Exome Variant Server 0.00110; ExAC 0.00122; gnomAD exomes 0.00128; gnomAD 0.00144 and 0.00147; TOPMed 0.00155; 1000 Genomes Project 0.00160; 1000 Genomes Project 30x 0.00172.
gnomAD v4.1: 3,465 of 1,584,386 alleles (0.22%); highest among the groups gnomAD compares: Non-Finnish European, 0.28%; 5 homozygotes.

Submissions (11):

CeGaT Center for Human Genetics Tuebingen
Classification: Likely benign. Last evaluated: 2026-08-01. Review status: criteria provided, single submitter. Criteria: CeGaT Center For Human Genetics Tuebingen Variant Classification Criteria Version 2. Collection method: clinical testing. Allele origin: germline. Affected: yes. Observed: 3 variant alleles.
Comment: GRIP1: BS2

Labcorp Genetics (formerly Invitae), Labcorp
Classification: Likely benign. Last evaluated: 2026-01-28. Review status: criteria provided, single submitter. Criteria: Invitae Variant Classification Sherloc (09022015). Collection method: clinical testing. Allele origin: germline.

Women's Health and Genetics/Laboratory Corporation of America, LabCorp
Classification: Likely benign. Last evaluated: 2022-03-07. Review status: criteria provided, single submitter. Criteria: LabCorp Variant Classification Summary - May 2015. Collection method: clinical testing. Allele origin: germline.
Comment: Variant summary: GRIP1 c.1600A>C (p.Ile534Leu) results in a conservative amino acid change located in the PDZ domain (IPR001478) of the encoded protein sequence. Three of five in-silico tools predict a benign effect of the variant on protein function. The variant allele was found at a frequency of 0.0013 in 248122 control chromosomes, predominantly at a frequency of 0.0022 within the Non-Finnish European subpopulation in the gnomAD database, including 1 homozygote. The observed variant frequency within Non-Finnish European control individuals in the gnomAD database is approximately 2-fold of the estimated maximal expected allele frequency for a pathogenic variant in GRIP1 causing Cryptophthalmos Syndrome phenotype (0.0013), strongly suggesting that the variant is a benign polymorphism found primarily in populations of Non-Finnish European origin. Experimental evidence provided by the authors demonstrated the variant was associated with altered interactions with glutamate receptors 2/3 in a yeast two-hybrid assay and faster recycling and increased surface distribution of GluA2 in rat neurons. This report does not provide unequivocal conclusions about association of the variant with Cryptophthalmos Syndrome. One ClinVar submitter (evaluation after 2014) cites the variant as likely benign and three ClinVar submitters (evaluation after 2014) cite it as uncertain significance. Based on the evidence outlined above, the variant was classified as likely benign for Cryptophthalmos Syndrome.

Eurofins Ntd Llc (ga)
Classification: Likely benign. Last evaluated: 2018-08-13. Review status: criteria provided, single submitter. Criteria: EGL ClinVar v180209 classification definitions. Collection method: clinical testing. Allele origin: germline. Observed: 1 variant allele, 1 heterozygote.

Geisinger Autism and Developmental Medicine Institute, Geisinger Health System
Classification: Uncertain significance for Fraser syndrome 3. Last evaluated: 2018-01-29. Review status: criteria provided, single submitter. Criteria: ACMG Guidelines, 2015. Collection method: provider interpretation, clinical testing. Allele origin: maternal. Affected: no. Observed: 1 variant allele.
Comment: This p.Ile534Leu variant is present in gnomAD non-Finnish European population at 0.22%. Computational prediction models are inconsistent. This variant has been reported as a possible modifier of autism (Mejias, 2011) using alternate nomenclature (I586L). Whole exome sequencing identified a likely pathogenic, de novo variant in SCN2A and 1 additional variant of uncertain significance.

GeneDx
Classification: Uncertain significance. Last evaluated: 2018-01-04. Review status: criteria provided, single submitter. Criteria: GeneDx Variant Classification (06012015). Collection method: clinical testing. Allele origin: germline. Affected: yes.
Comment: The I534L variant in the GRIP1 gene was reported previously using alternate nomenclature I586L in an individual with autism and was absent in 480 control individuals (Mejias et al., 2011). Although not present in the homozygous state, the NHLBI ESP Exome Sequencing Project reports I534L was observed in 13/8166 alleles from individuals of European American background, indicating it may be a rare variant in this population. The I534L variant is a conservative amino acid substitution, which is not likely to impact secondary protein structure as these residues share similar properties. This substitution occurs at a position that is conserved across species. The I534L variant caused increased interaction, faster recycling, and increased surface distribution of glutamate receptor in live, transfected hippocampal neurons, suggesting gain-of-function (Mejias et al., 2011). We interpret I534L as a variant of uncertain significance.

Illumina Laboratory Services, Illumina
Classification: Uncertain significance for Fraser syndrome 3. Last evaluated: 2017-04-27. Review status: criteria provided, single submitter. Criteria: ICSL Variant Classification Criteria 13 December 2019. Collection method: clinical testing. Allele origin: germline.
Comment: This variant was observed as part of a predisposition screen in an ostensibly healthy population. A literature search was performed for the gene, cDNA change, and amino acid change (where applicable). Publications were found based on this search. However, the evidence from the literature, in combination with allele frequency data from public databases where available, was not sufficient to rule this variant in or out of causing disease. Therefore, this variant is classified as a variant of unknown significance.

PreventionGenetics, part of Exact Sciences
Classification: Likely benign for GRIP1-related condition. Last evaluated: 2021-08-16. Review status: no assertion criteria provided. Collection method: clinical testing. Allele origin: germline. Not counted in ClinVar's aggregate classification.
Comment: This variant is classified as likely benign based on ACMG/AMP sequence variant interpretation guidelines (Richards et al. 2015 PMID: 25741868, with internal and published modifications).

Clinical Genetics DNA and cytogenetics Diagnostics Lab, Erasmus MC, Erasmus Medical Center
Classification: Likely benign. Review status: no assertion criteria provided. Collection method: clinical testing. Allele origin: germline. Affected: yes. Study: VKGL Data-share Consensus. Not counted in ClinVar's aggregate classification.

Diagnostic Laboratory, Department of Genetics, University Medical Center Groningen
Classification: Likely benign. Review status: no assertion criteria provided. Collection method: clinical testing. Allele origin: germline. Affected: yes. Study: VKGL Data-share Consensus. Not counted in ClinVar's aggregate classification.

Genome Diagnostics Laboratory, University Medical Center Utrecht
Classification: Likely benign. Review status: no assertion criteria provided. Collection method: clinical testing. Allele origin: germline. Affected: yes. Study: VKGL Data-share Consensus. Not counted in ClinVar's aggregate classification.

Literature cited by the submitters: PubMed 21383172 (cited by 3 submitters).